The following is an entry in ClinVar:

ClinVar aggregate classification (germline): Uncertain significance (1 of 4 stars; one submission).

Submission:

Labcorp Genetics (formerly Invitae), Labcorp
Classification: Uncertain significance. Last evaluated: 2025-08-18. Review status: criteria provided, single submitter. Criteria: Invitae Variant Classification Sherloc (09022015). Collection method: clinical testing. Allele origin: germline.
Comment: This sequence change replaces threonine, which is neutral and polar, with lysine, which is basic and polar, at codon 489 of the SLC16A1 protein (p.Thr489Lys). This variant is present in population databases (no rsID available, gnomAD 0.008%). This variant has not been reported in the literature in individuals affected with SLC16A1-related conditions. An algorithm developed to predict the effect of missense changes on protein structure and function (PolyPhen-2) suggests that this variant is likely to be tolerated. In summary, the available evidence is currently insufficient to determine the role of this variant in disease. Therefore, it has been classified as a Variant of Uncertain Significance.

NM_003051.4(SLC16A1):c.1466C>A (p.Thr489Lys)

Gene: SLC16A1 (solute carrier family 16 member 1; minus strand). Cytogenetic location: 1p13.2.
Variant type: single nucleotide variant.
Coding change: c.1466C>A on transcript NM_003051.4 (MANE Select); coding-DNA position 1466, C replaced by A.
Protein change: p.Thr489Lys; replaces threonine 489 with lysine.
Molecular consequence: missense variant.
Genome position (GRCh38, 1-based): chr1:112,913,928, G>T on the plus strand (C>A on the coding strand, the complement: SLC16A1 is on the minus strand). VCF-style: chr1-112913928-G-T. GRCh37 (hg19) VCF-style: chr1-113456550-G-T.
Other names: c.1466C>A, p.Thr489Lys (NM_001166496.2); short protein forms T489K.
Identifiers: ClinVar variation 4707163 (VCV004707163.1).